The following is an entry in ClinVar:

ClinVar aggregate classification (germline): Uncertain significance. Review status: criteria provided, multiple submitters, no conflicts (2 of 4 stars). 17 submissions from 17 submitters: Uncertain significance (14). 3 of the submissions do not count toward it. Last evaluated 2026-01-10.

Conditions:
MUTYH-related disorder. Also called: MUTYH-related disorders; MUTYH-related condition.
Hereditary cancer-predisposing syndrome. Also called: Neoplastic Syndromes, Hereditary; Tumor predisposition; Hereditary Cancer Syndrome; Hereditary neoplastic syndrome. Identifiers: Orphanet 140162, MedGen C0027672, MeSH D009386, MONDO:0015356.
Familial adenomatous polyposis 2. Also called: FAP type 2; MYH-associated polyposis; Adenomas, multiple colorectal; MUTYH-associated polyposis; MUTYH Polyposis; MUTYH-related attenuated familial adenomatous polyposis. Identifiers: Orphanet 220460, Orphanet 247798, MedGen C3272841, MONDO:0012041, OMIM 608456.

Allele frequency attached by ClinVar (database versions not stated): gnomAD 0.00001; TOPMed 0.00003; gnomAD exomes 0.00004 and 0.00006; ExAC 0.00005; ESP Exome Variant Server 0.00008.
gnomAD v4.1: 81 of 1,613,944 alleles (0.005%); highest among the groups gnomAD compares: Non-Finnish European, 0.0062%; no homozygotes.

Submissions 1 to 10 of 17:

PreventionGenetics, part of Exact Sciences
Classification: Uncertain significance for MUTYH-related condition. Last evaluated: 2026-01-10. Review status: criteria provided, single submitter. Criteria: ACMG Guidelines, 2015. Collection method: clinical testing. Allele origin: germline.
Comment: The MUTYH c.679G>A variant is predicted to result in the amino acid substitution p.Ala227Thr. This variant has reported in individuals with a personal and family history of breast and/or ovarian cancer (Tsaousis et al 2019. PubMed ID: 31159747; Stuttgen et al 2019. PubMed ID: 31465090; Breast Cancer Association Consortium et al. 2021. PubMed ID: 33471991) as well as in healthy controls. This variant is reported in 0.0079% of alleles in individuals of European (Non-Finnish) descent in gnomAD, and has been interpreted as variant of uncertain significance in the ClinVar database (Variation ID: 229778). At this time, the clinical significance of this variant is uncertain due to the absence of conclusive functional and genetic evidence.

Labcorp Genetics (formerly Invitae), Labcorp
Classification: Uncertain significance for Familial adenomatous polyposis 2. Last evaluated: 2025-11-26. Review status: criteria provided, single submitter. Criteria: Invitae Variant Classification Sherloc (09022015). Collection method: clinical testing. Allele origin: germline.
Comment: This sequence change replaces alanine, which is neutral and non-polar, with threonine, which is neutral and polar, at codon 227 of the MUTYH protein (p.Ala227Thr). This variant is present in population databases (rs369854269, gnomAD 0.008%). This missense change has been observed in individual(s) with breast cancer (PMID: 26689913, 31159747, 31465090). ClinVar contains an entry for this variant (Variation ID: 229778). An algorithm developed to predict the effect of missense changes on protein structure and function (PolyPhen-2) suggests that this variant is likely to be disruptive. In summary, the available evidence is currently insufficient to determine the role of this variant in disease. Therefore, it has been classified as a Variant of Uncertain Significance.

Color Diagnostics, LLC DBA Color Health
Classification: Uncertain significance for Hereditary cancer-predisposing syndrome. Last evaluated: 2025-06-05. Review status: criteria provided, single submitter. Criteria: ACMG Guidelines, 2015. Collection method: clinical testing. Allele origin: germline.
Comment: This missense variant replaces alanine with threonine at codon 227 of the MUTYH protein. This variant is also known as c.637G>A (p.Ala213Thr) based on an alternative transcript (NM_001048171). Computational prediction suggests that this variant may have deleterious impact on protein structure and function. To our knowledge, functional studies have not been reported for this variant. This variant has not been observed in individuals affected with MUTYH-associated polyposis but has been observed in individuals with breast and/or ovarian cancer (PMID: 26689913, 31159747, 36035419). This variant has been identified in 9/251330 chromosomes in the general population by the Genome Aggregation Database (gnomAD). The available evidence is insufficient to determine the role of this variant in disease conclusively. Therefore, this variant is classified as a Variant of Uncertain Significance.

Ambry Genetics
Classification: Uncertain significance for Hereditary cancer-predisposing syndrome. Last evaluated: 2025-03-18. Review status: criteria provided, single submitter. Criteria: Ambry Variant Classification Scheme 2023. Collection method: clinical testing. Allele origin: germline.
Comment: The p.A227T variant (also known as c.679G>A), located in coding exon 8 of the MUTYH gene, results from a G to A substitution at nucleotide position 679. The alanine at codon 227 is replaced by threonine, an amino acid with similar properties. This alteration was identified in an individual diagnosed with breast cancer (Stuttgen K et al. JAMA Oncol, 2019 Oct;5:1506-1508). This amino acid position is well conserved in available vertebrate species. In addition, this alteration is predicted to be deleterious by in silico analysis. Based on the available evidence, the clinical significance of this alteration remains unclear.

Center for Genomic Medicine, Rigshospitalet, Copenhagen University Hospital
Classification: Uncertain significance. Last evaluated: 2025-03-04. Review status: criteria provided, single submitter. Criteria: ACMG Guidelines, 2015. Collection method: clinical testing. Allele origin: germline.

All of Us Research Program, National Institutes of Health
Classification: Uncertain significance for Familial adenomatous polyposis 2. Last evaluated: 2024-08-06. Review status: criteria provided, single submitter. Criteria: ACMG Guidelines, 2015. Collection method: clinical testing. Allele origin: germline. Inheritance: Autosomal recessive inheritance. Observed: 13 variant alleles, 13 heterozygotes.
Comment: This missense variant replaces alanine with threonine at codon 227 of the MUTYH protein. This variant is also known as c.637G>A (p.Ala213Thr) based on an alternative transcript (NM_001048171). Computational prediction suggests that this variant may have deleterious impact on protein structure and function (internally defined REVEL score threshold >= 0.7, PMID: 27666373). To our knowledge, functional studies have not been reported for this variant. This variant has not been observed in individuals affected with MUTYH-associated polyposis but has been observed in individuals with breast and/or ovarian cancer (PMID: 26689913, 31159747, 36035419). This variant has been identified in 9/251330 chromosomes in the general population by the Genome Aggregation Database (gnomAD). The available evidence is insufficient to determine the role of this variant in disease conclusively. Therefore, this variant is classified as a Variant of Uncertain Significance.

This study involves interpretation of variants in research participants for the purpose of population health screening. Participant phenotype was not available at the time of variant classification. Additional details can be found in publication PMID: 35346344, PMCID: PMC8962531

GeneDx
Classification: Uncertain significance. Last evaluated: 2024-06-27. Review status: criteria provided, single submitter. Criteria: GeneDx Variant Classification Process June 2021. Collection method: clinical testing. Allele origin: germline. Affected: yes.
Comment: Not observed at significant frequency in large population cohorts (gnomAD); In silico analysis supports that this missense variant has a deleterious effect on protein structure/function; Also known as c.319G>A p.Ala107Thr; c.595G>A p.Ala199Thr; This variant is associated with the following publications: (PMID: 15673720, 25957691, 26689913, 24463508, 31159747, 31937788, 31465090, 33471991, 36035419, 37937776, 36243179)

Baylor Genetics
Classification: Uncertain significance for Familial adenomatous polyposis 2. Last evaluated: 2024-03-09. Review status: criteria provided, single submitter. Criteria: ACMG Guidelines, 2015. Collection method: clinical testing. Allele origin: unknown.

Quest Diagnostics Nichols Institute San Juan Capistrano
Classification: Uncertain significance. Last evaluated: 2023-11-20. Review status: criteria provided, single submitter. Criteria: Quest Diagnostics criteria. Collection method: clinical testing. Allele origin: unknown.
Comment: The MUTYH c.679G>A (p.Ala227Thr) variant has been reported in the published literature in individuals with breast cancer (PMIDs: 31465090 (2019), 31159747 (2019), 33471991 (2021) see also LOVD), biliary tract cancer (PMID: 36243179 (2022)), and healthy individuals (PMID: 33471991 (2021) see also LOVD). The frequency of this variant in the general population, 0.000079 (9/113706 chromosomes (Genome Aggregation Database)), is uninformative in the assessment of its pathogenicity. Analysis of this variant using bioinformatics tools for the prediction of the effect of amino acid changes on protein structure and function yielded conflicting predictions that this variant is benign or damaging. Based on the available information, we are unable to determine the clinical significance of this variant.

Sema4
Classification: Uncertain significance for Hereditary cancer-predisposing syndrome. Last evaluated: 2022-03-21. Review status: criteria provided, single submitter. Criteria: Sema4 Curation Guidelines. Collection method: curation. Allele origin: germline.
Comment: The MUTYH c.679G>A (p.A227T) variant has been reported as heterozygous in numerous individuals with breast cancer (PMID: 31159747, 26689913, 31465090). It has been reported in a large case-control study of breast cancer in 18/60466 cases and 17/53461 controls (PMID: 33471991). This variant was observed in 9/113706 chromosomes in the Non-European Finnish population according to the Genome Aggregation Database (PMID: 32461654). This variant has been reported in ClinVar (Variation ID: 229778). In silico tools suggest the impact of the variant on protein function is deleterious though these predictions have not been confirmed by functional studies. Based on the current evidence available this variant is interpreted as a variant of uncertain significance.

NM_001048174.2(MUTYH):c.595G>A (p.Ala199Thr)

Gene: MUTYH (mutY DNA glycosylase; minus strand). Cytogenetic location: 1p34.1.
Variant type: single nucleotide variant.
Coding change: c.595G>A on transcript NM_001048174.2 (MANE Select); coding-DNA position 595, G replaced by A.
Protein change: p.Ala199Thr; replaces alanine 199 with threonine.
Molecular consequence: missense variant. On other transcripts: non-coding transcript variant (2).
Genome position (GRCh38, 1-based): chr1:45,332,585, C>T on the plus strand (G>A on the coding strand, the complement: MUTYH is on the minus strand). VCF-style: chr1-45332585-C-T. GRCh37 (hg19) VCF-style: chr1-45798257-C-T.
Other names: c.595G>A, p.Ala199Thr (NM_001048171.2, NM_001048173.2, NM_001293195.2); c.598G>A, p.Ala200Thr (NM_001048172.2); c.679G>A, p.Ala227Thr (NM_001128425.2); c.640G>A, p.Ala214Thr (NM_001293190.2); c.628G>A, p.Ala210Thr (NM_001293191.2); c.319G>A, p.Ala107Thr (NM_001293192.2, NM_001293196.2); c.250G>A, p.Ala84Thr (NM_001350650.2, NM_001350651.2); c.670G>A, p.Ala224Thr (NM_012222.3); short protein forms A227T, A213T, A200T, A224T, A84T, A107T, A199T, A210T.
Identifiers: ClinVar variation 229778 (VCV000229778.55), dbSNP rs369854269, ClinGen allele CA058577.